The following is an entry in ClinVar:

NM_001353345.2(SETD1B):c.3203A>G (p.Glu1068Gly)

Gene: SETD1B (SET domain containing 1B, histone lysine methyltransferase; plus strand). Cytogenetic location: 12q24.31.
Variant type: single nucleotide variant.
Coding change: c.3203A>G on transcript NM_001353345.2 (MANE Select); coding-DNA position 3203, A replaced by G.
Protein change: p.Glu1068Gly; replaces glutamic acid 1068 with glycine.
Molecular consequence: missense variant.
Genome position (GRCh38, 1-based): chr12:121,817,595, A>G. VCF-style: chr12-121817595-A-G. GRCh37 (hg19) VCF-style: chr12-122255501-A-G.
Other names: c.3203A>G (NM_001353345.1); short protein forms E1068G.
Identifiers: ClinVar variation 2042877 (VCV002042877.7), dbSNP rs149930821, ClinGen allele CA6839025.

ClinVar aggregate classification (germline): Conflicting classifications of pathogenicity. Review status: criteria provided, conflicting classifications (1 of 4 stars). 4 submissions from 4 submitters: Uncertain significance (2); Likely benign (2). Last evaluated 2026-03-01.

Conditions:
SETD1B-related disorder. Also called: SETD1B-related condition.

Allele frequency attached by ClinVar (database versions not stated): ExAC 0.00041; gnomAD 0.00139; TOPMed 0.00146; 1000 Genomes Project 30x 0.00203; 1000 Genomes Project 0.00220.

Submissions (4):

CeGaT Center for Human Genetics Tuebingen
Classification: Likely benign. Last evaluated: 2026-03-01. Review status: criteria provided, single submitter. Criteria: CeGaT Center For Human Genetics Tuebingen Variant Classification Criteria Version 2. Collection method: clinical testing. Allele origin: germline. Affected: yes. Observed: 1 variant allele.
Comment: SETD1B: BS1

Blueprint Genetics
Classification: Likely benign. Last evaluated: 2024-08-06. Review status: criteria provided, single submitter. Criteria: ACMG Guidelines, 2015. Collection method: clinical testing. Allele origin: germline.

PreventionGenetics, part of Exact Sciences
Classification: Uncertain significance for SETD1B-related condition. Last evaluated: 2023-07-26. Review status: criteria provided, single submitter. Criteria: ACMG Guidelines, 2015. Collection method: clinical testing. Allele origin: germline.
Comment: The SETD1B c.3203A>G variant is predicted to result in the amino acid substitution p.Glu1068Gly. To our knowledge, this variant has not been reported in the literature. This variant is reported in 0.46% of alleles in individuals of African descent in gnomAD. Although we suspect that this variant may be benign, at this time, the clinical significance of this variant is uncertain due to the absence of conclusive functional and genetic evidence.

Labcorp Genetics (formerly Invitae), Labcorp
Classification: Uncertain significance. Last evaluated: 2022-07-05. Review status: criteria provided, single submitter. Criteria: Invitae Variant Classification Sherloc (09022015). Collection method: clinical testing. Allele origin: germline.
Comment: The SETD1B gene has multiple clinically relevant transcripts. This variant occurs in alternate transcript NM_001353345.1, and corresponds to NM_015048.1:c.3127-2A>G in the primary transcript. This sequence change replaces glutamic acid, which is acidic and polar, with glycine, which is neutral and non-polar, at codon 1068 of the SETD1B protein (p.Glu1068Gly). The frequency data for this variant in the population databases is considered unreliable, as metrics indicate poor data quality at this position in the gnomAD database. This variant has not been reported in the literature in individuals affected with SETD1B-related conditions. Experimental studies and prediction algorithms are not available or were not evaluated, and the functional significance of this variant is currently unknown. In summary, the available evidence is currently insufficient to determine the role of this variant in disease. Therefore, it has been classified as a Variant of Uncertain Significance.